The following is an entry in ClinVar:

NM_003872.3(NRP2):c.528C>G (p.Thr176=)

Gene: NRP2 (neuropilin 2; plus strand). Cytogenetic location: 2q33.3.
Variant type: single nucleotide variant.
Coding change: c.528C>G on transcript NM_003872.3 (MANE Select); coding-DNA position 528, C replaced by G.
Protein change: p.Thr176=; no amino-acid change (threonine 176 retained).
Molecular consequence: synonymous variant.
Genome position (GRCh38, 1-based): chr2:205,722,572, C>G. VCF-style: chr2-205722572-C-G. GRCh37 (hg19) VCF-style: chr2-206587296-C-G.
Other names: c.528C>G, p.Thr176= (NM_018534.4, NM_201264.2, NM_201266.2 and 2 more transcripts).
Identifiers: ClinVar variation 4993283 (VCV004993283.1).

ClinVar aggregate classification (germline): Likely benign (1 of 4 stars; one submission).

Conditions:
NRP2-related disorder. Also called: NRP2-related condition.

Submission:

PreventionGenetics, part of Exact Sciences
Classification: Likely benign for NRP2-related condition. Last evaluated: 2026-01-16. Review status: criteria provided, single submitter. Criteria: ACMG Guidelines, 2015. Collection method: clinical testing. Allele origin: germline.
Comment: This variant is classified as likely benign based on ACMG/AMP sequence variant interpretation guidelines (Richards et al. 2015 PMID: 25741868, with internal and published modifications).